The following is an entry in ClinVar:

ClinVar aggregate classification (germline): Uncertain significance. Review status: criteria provided, multiple submitters, no conflicts (2 of 4 stars). 2 submissions from 2 submitters: Uncertain significance (2). Last evaluated 2024-11-21.

Conditions:
Mitochondrial complex II deficiency, nuclear type 1. Also called: SUCCINATE CoQ REDUCTASE DEFICIENCY. Identifiers: Orphanet 3208, MedGen C5700310, MONDO:0100294, OMIM 252011.
Pheochromocytoma/paraganglioma syndrome 5. Also called: Paragangliomas 5; SDHA-Related Hereditary Paraganglioma-Pheochromocytoma Syndrome. Identifiers: Orphanet 29072, MedGen C3279992, MONDO:0013602, OMIM 614165.
Hereditary cancer-predisposing syndrome. Also called: Hereditary Cancer Syndrome; Neoplastic Syndromes, Hereditary; Tumor predisposition; Hereditary neoplastic syndrome. Identifiers: Orphanet 140162, MedGen C0027672, MeSH D009386, MONDO:0015356.

Submissions (2):

Ambry Genetics
Classification: Uncertain significance for Hereditary cancer-predisposing syndrome. Last evaluated: 2024-11-21. Review status: criteria provided, single submitter. Criteria: Ambry Variant Classification Scheme 2023. Collection method: clinical testing. Allele origin: germline.
Comment: The p.D212G variant (also known as c.635A>G), located in coding exon 6 of the SDHA gene, results from an A to G substitution at nucleotide position 635. The aspartic acid at codon 212 is replaced by glycine, an amino acid with similar properties. This amino acid position is conserved. In addition, the in silico prediction for this alteration is inconclusive. Based on the available evidence, the clinical significance of this variant remains unclear.

Labcorp Genetics (formerly Invitae), Labcorp
Classification: Uncertain significance for Pheochromocytoma/paraganglioma syndrome 5; Mitochondrial complex II deficiency, nuclear type 1. Last evaluated: 2019-05-18. Review status: criteria provided, single submitter. Criteria: Invitae Variant Classification Sherloc (09022015). Collection method: clinical testing. Allele origin: germline.
Comment: This sequence change replaces aspartic acid with glycine at codon 212 of the SDHA protein (p.Asp212Gly). The aspartic acid residue is highly conserved and there is a moderate physicochemical difference between aspartic acid and glycine. This variant is not present in population databases (ExAC no frequency). This variant has not been reported in the literature in individuals with SDHA-related conditions. Algorithms developed to predict the effect of missense changes on protein structure and function are either unavailable or do not agree on the potential impact of this missense change (SIFT: "Deleterious"; PolyPhen-2: "Benign"; Align-GVGD: "Class C0"). Algorithms developed to predict the effect of sequence changes on RNA splicing suggest that this variant may create or strengthen a splice site, but this prediction has not been confirmed by published transcriptional studies. In summary, the available evidence is currently insufficient to determine the role of this variant in disease. Therefore, it has been classified as a Variant of Uncertain Significance.

NM_004168.4(SDHA):c.635A>G (p.Asp212Gly)

Gene: SDHA (succinate dehydrogenase complex flavoprotein subunit A; plus strand). Cytogenetic location: 5p15.33.
Variant type: single nucleotide variant.
Coding change: c.635A>G on transcript NM_004168.4 (MANE Select); coding-DNA position 635, A replaced by G.
Protein change: p.Asp212Gly; replaces aspartic acid 212 with glycine.
Molecular consequence: missense variant.
Genome position (GRCh38, 1-based): chr5:228,198, A>G. VCF-style: chr5-228198-A-G. GRCh37 (hg19) VCF-style: chr5-228313-A-G.
Other names: c.491A>G, p.Asp164Gly (NM_001294332.2); c.635A>G, p.Asp212Gly (NM_001330758.2); c.635A>G (NM_004168.2); short protein forms D164G, D212G.
Identifiers: ClinVar variation 946459 (VCV000946459.11), dbSNP rs750531440, ClinGen allele CA359010805.
Genomic context (GRCh38, chr5:228,198, plus strand): 5'-AAAGTTTGGCTTAACACTTCTTGCCCTTTTTTTTTCCTTTCTTTTAGTCTCTGCGATATG[A>G]TACCAGCTATTTTGTGGAGTATTTTGCCTTGGATCTCCTGATGGAGAATGGGGAGTGCCG-3'
Protein context (NP_004159.2, residues 202-222): HTLYGRSLRY[Asp212Gly]TSYFVEYFAL